The following is an entry in ClinVar:

NM_003245.4(TGM3):c.1404G>A (p.Ala468=)

Gene: TGM3 (transglutaminase 3; plus strand). Cytogenetic location: 20p13.
Variant type: single nucleotide variant.
Coding change: c.1404G>A on transcript NM_003245.4 (MANE Select); coding-DNA position 1404, G replaced by A.
Protein change: p.Ala468=; no amino-acid change (alanine 468 retained).
Molecular consequence: synonymous variant.
Genome position (GRCh38, 1-based): chr20:2,332,072, G>A. VCF-style: chr20-2332072-G-A. GRCh37 (hg19) VCF-style: chr20-2312718-G-A.
Other names: c.1404G>A (NM_003245.3).
Identifiers: ClinVar variation 4944104 (VCV004944104.2).
Genomic context (GRCh38, chr20:2,332,072, plus strand): 5'-GGAAAGACAAGTGTTCCAAAAGGCTTTGGGGAAACTTAAACCCAACACGCCATTTGCCGC[G>A]ACGTCTTCAATGGGTTTGGAAACAGAGGAACAGGAGCCCAGCATCATCGGGAAGCTGAAG-3'
Protein context (NP_003236.3, residues 458-478): GKLKPNTPFA[Ala468=]TSSMGLETEE

ClinVar aggregate classification (germline): Likely benign. Review status: criteria provided, multiple submitters, no conflicts (2 of 4 stars). 2 submissions from 2 submitters: Likely benign (2). Last evaluated 2025-04-09.

Conditions:
TGM3-related disorder. Also called: TGM3-related condition.

gnomAD v4.1: 363 of 1,614,158 alleles (0.022%); highest among the groups gnomAD compares: East Asian, 0.73%; 4 homozygotes.

Submissions (2):

PreventionGenetics, part of Exact Sciences
Classification: Likely benign for TGM3-related condition. Last evaluated: 2025-04-09. Review status: criteria provided, single submitter. Criteria: ACMG Guidelines, 2015. Collection method: clinical testing. Allele origin: germline.
Comment: This variant is classified as likely benign based on ACMG/AMP sequence variant interpretation guidelines (Richards et al. 2015 PMID: 25741868, with internal and published modifications).

Blueprint Genetics
Classification: Likely benign. Last evaluated: 2024-11-01. Review status: criteria provided, single submitter. Criteria: ACMG Guidelines, 2015. Collection method: clinical testing. Allele origin: germline.